The following is an entry in ClinVar:

ClinVar aggregate classification (germline): Uncertain significance (1 of 4 stars; one submission).

Conditions:
Cardiovascular phenotype. Identifiers: MedGen CN230736.

Submission:

Ambry Genetics
Classification: Uncertain significance for Cardiovascular phenotype. Last evaluated: 2020-08-03. Review status: criteria provided, single submitter. Criteria: Ambry Variant Classification Scheme 2023. Collection method: clinical testing. Allele origin: germline.
Comment: The p.N816S variant (also known as c.2447A>G), located in coding exon 15 of the SCN10A gene, results from an A to G substitution at nucleotide position 2447. The asparagine at codon 816 is replaced by serine, an amino acid with highly similar properties. This amino acid position is poorly conserved in available vertebrate species. In addition, this alteration is predicted to be tolerated by in silico analysis. Since supporting evidence is limited at this time, the clinical significance of this alteration remains unclear.

NM_006514.4(SCN10A):c.2447A>G (p.Asn816Ser)

Gene: SCN10A (sodium voltage-gated channel alpha subunit 10; minus strand). Cytogenetic location: 3p22.2.
Variant type: single nucleotide variant.
Coding change: c.2447A>G on transcript NM_006514.4 (MANE Select); coding-DNA position 2447, A replaced by G.
Protein change: p.Asn816Ser; replaces asparagine 816 with serine.
Molecular consequence: missense variant.
Genome position (GRCh38, 1-based): chr3:38,728,735, T>C on the plus strand (A>G on the coding strand, the complement: SCN10A is on the minus strand). VCF-style: chr3-38728735-T-C. GRCh37 (hg19) VCF-style: chr3-38770226-T-C.
Other names: c.2447A>G, p.Asn816Ser (NM_001293306.2); c.2153A>G, p.Asn718Ser (NM_001293307.2); short protein forms N718S, N816S.
Identifiers: ClinVar variation 1791404 (VCV001791404.2), dbSNP rs2470680025, ClinGen allele CA352160506.